The following is an entry in ClinVar:

NC_000003.12:g.(?_10064719)_(10150035_?)dup

Genes: BRK1 (BRICK1 subunit of SCAR/WAVE actin nucleating complex; plus strand), FANCD2 (FA complementation group D2; plus strand), FANCD2OS (FANCD2 opposite strand; minus strand), VHL (von Hippel-Lindau tumor suppressor; plus strand). Cytogenetic location: 3p25.3.
Variant type: Duplication.
Identifiers: ClinVar variation 831620 (VCV000831620.1).

ClinVar aggregate classification (germline): Uncertain significance (1 of 4 stars; one submission).

Conditions:
Chuvash polycythemia. Also called: POLYCYTHEMIA, VHL-DEPENDENT. Identifiers: Orphanet 238557, MedGen C1837915, MONDO:0009892, OMIM 263400.
Von Hippel-Lindau syndrome (VHLS). Also called: VHL syndrome; Von Hippel-Lindau; von Hippel–Lindau syndrome. Identifiers: Orphanet 892, MedGen C0019562, MONDO:0008667, OMIM 193300. Disease mechanism: loss of function.

Submission:

Labcorp Genetics (formerly Invitae), Labcorp
Classification: Uncertain significance for Von Hippel-Lindau syndrome; Erythrocytosis, familial, 2. Last evaluated: 2019-12-11. Review status: criteria provided, single submitter. Criteria: Invitae Variant Classification Sherloc (09022015). Collection method: clinical testing. Allele origin: germline.
Comment: This variant results in a copy number gain of the genomic region encompassing the full coding sequence of the VHL gene. The boundaries of this event are unknown as they extend beyond the assayed region for this gene and therefore may encompass additional genes. As the precise location of this event is unknown, it may be in tandem or it may be located elsewhere in the genome. This variant has not been reported in the literature in individuals with VHL-related conditions. In summary, the available evidence is currently insufficient to determine the role of this variant in disease. Therefore, it has been classified as a Variant of Uncertain Significance.